The following is an entry in ClinVar:

NM_020791.4(TAOK1):c.2579G>A (p.Arg860His)

Gene: TAOK1 (TAO kinase 1; plus strand). Cytogenetic location: 17q11.2.
Variant type: single nucleotide variant.
Coding change: c.2579G>A on transcript NM_020791.4 (MANE Select); coding-DNA position 2579, G replaced by A.
Protein change: p.Arg860His; replaces arginine 860 with histidine.
Molecular consequence: missense variant.
Genome position (GRCh38, 1-based): chr17:29,542,595, G>A. VCF-style: chr17-29542595-G-A. GRCh37 (hg19) VCF-style: chr17-27869613-G-A.
Other names: c.2135G>A, p.Arg712His (NM_025142.1); short protein forms R712H, R860H.
Identifiers: ClinVar variation 1313454 (VCV001313454.24), dbSNP rs2150779478, ClinGen allele CA398918496.

ClinVar aggregate classification (germline): Uncertain significance. Review status: criteria provided, multiple submitters, no conflicts (2 of 4 stars). 2 submissions from 2 submitters: Uncertain significance (2). Last evaluated 2024-01-01.

gnomAD v4.1: 2 of 1,612,502 alleles (0.00012%); highest among the groups gnomAD compares: Non-Finnish European, 0.000085%; no homozygotes.

Submissions (2):

CeGaT Center for Human Genetics Tuebingen
Classification: Uncertain significance. Last evaluated: 2024-01-01. Review status: criteria provided, single submitter. Criteria: CeGaT Center For Human Genetics Tuebingen Variant Classification Criteria Version 2. Collection method: clinical testing. Allele origin: germline. Affected: yes. Observed: 1 variant allele.
Comment: TAOK1: PM2, PP3

GeneDx
Classification: Uncertain significance. Last evaluated: 2020-10-27. Review status: criteria provided, single submitter. Criteria: GeneDx Variant Classification Process June 2021. Collection method: clinical testing. Allele origin: germline. Affected: yes.
Comment: Not observed in large population cohorts (Lek et al., 2016); In silico analysis supports that this missense variant has a deleterious effect on protein structure/function; Has not been previously published as pathogenic or benign to our knowledge; Variants in candidate genes are classified as variants of uncertain significance in accordance with ACMG guidelines (Richards et al., 2015)